The following is an entry in ClinVar:

NM_000435.3(NOTCH3):c.244T>C (p.Cys82Arg)

Gene: NOTCH3 (notch receptor 3; minus strand). Cytogenetic location: 19p13.12.
Variant type: single nucleotide variant.
Coding change: c.244T>C on transcript NM_000435.3 (MANE Select); coding-DNA position 244, T replaced by C.
Protein change: p.Cys82Arg; replaces cysteine 82 with arginine.
Molecular consequence: missense variant.
Genome position (GRCh38, 1-based): chr19:15,192,473, A>G on the plus strand (T>C on the coding strand, the complement: NOTCH3 is on the minus strand). VCF-style: chr19-15192473-A-G. GRCh37 (hg19) VCF-style: chr19-15303284-A-G.
Other names: short protein forms C82R.
Identifiers: ClinVar variation 1256502 (VCV001256502.5), dbSNP rs2046937845, ClinGen allele CA404535085.

ClinVar aggregate classification (germline): Pathogenic. Review status: criteria provided, multiple submitters, no conflicts (2 of 4 stars). 3 submissions from 3 submitters: Pathogenic (2). 1 of the submissions does not count toward it. Last evaluated 2023-05-22.

Conditions:
NOTCH3-related disorder. Also called: NOTCH3-related disorders; NOTCH3-related condition.

Submissions (3):

Labcorp Genetics (formerly Invitae), Labcorp
Classification: Pathogenic. Last evaluated: 2023-05-22. Review status: criteria provided, single submitter. Criteria: Invitae Variant Classification Sherloc (09022015). Collection method: clinical testing. Allele origin: germline.
Comment: For these reasons, this variant has been classified as Pathogenic. Advanced modeling of protein sequence and biophysical properties (such as structural, functional, and spatial information, amino acid conservation, physicochemical variation, residue mobility, and thermodynamic stability) performed at Invitae indicates that this missense variant is expected to disrupt NOTCH3 protein function. ClinVar contains an entry for this variant (Variation ID: 1256502). This missense change has been observed in individual(s) with cerebral arteriopathy with subcortical infarcts and leukoencephalopathy (PMID: 25096610). It has also been observed to segregate with disease in related individuals. This variant is not present in population databases (gnomAD no frequency). This sequence change replaces cysteine, which is neutral and slightly polar, with arginine, which is basic and polar, at codon 82 of the NOTCH3 protein (p.Cys82Arg).

Athena Diagnostics
Classification: Pathogenic. Last evaluated: 2020-10-08. Review status: criteria provided, single submitter. Criteria: Athena Diagnostics criteria. Collection method: clinical testing. Allele origin: unknown.
Comment: This variant has not been reported in large, multi-ethnic general populations. This variant has been identified in at least one individual with clinical features associated with this gene. Greater than 90% of NOTCH3 pathogenic mutations associated with CADASIL involve the gain or loss of a cysteine residue within the epidermal growth factor (EGF)-like repeat domain (PMID: 32457593, 20301673).

PreventionGenetics, part of Exact Sciences
Classification: Pathogenic for NOTCH3-related condition. Last evaluated: 2024-06-25. Review status: no assertion criteria provided. Collection method: clinical testing. Allele origin: germline. Not counted in ClinVar's aggregate classification.
Comment: The NOTCH3 c.244T>C variant is predicted to result in the amino acid substitution p.Cys82Arg. This variant has been reported to segregate with CADASIL, in affected members of a family (Zea-Sevilla et al. 2015. PubMed ID: 25096610). This variant has not been reported in a large population database, indicating this variant is rare. Most CADASIL causing variants in the NOTCH3 gene result in the gain or loss of one or more cysteine residues in the extracellular domain of the protein, as seen in this patient. This patient’s variant alters a cysteine residue and is located in the extracellular EGF-like domain two. Pathogenic variants in EGF-like domains 1-6 appear to be fully penetrant and are usually associated with the classical CADASIL phenotype. However, there is variability in disease severity (OMIM #125310; Rutten et al. 2016. PubMed ID: 27844030; Rutten et al. 2019. PubMed ID: 30032161). This variant is interpreted as pathogenic.

Literature cited by the submitters: PubMed 25096610 (cited by Labcorp Genetics (formerly Invitae), Labcorp and Athena Diagnostics).